The following is an entry in ClinVar:

NM_020738.4(KIDINS220):c.4899T>A (p.Ser1633Arg)

Gene: KIDINS220 (kinase D interacting substrate 220; minus strand). Cytogenetic location: 2p25.1.
Variant type: single nucleotide variant.
Coding change: c.4899T>A on transcript NM_020738.4 (MANE Select); coding-DNA position 4899, T replaced by A.
Protein change: p.Ser1633Arg; replaces serine 1633 with arginine.
Molecular consequence: missense variant. On other transcripts: intron variant (6).
Genome position (GRCh38, 1-based): chr2:8,731,137, A>T on the plus strand (T>A on the coding strand, the complement: KIDINS220 is on the minus strand). VCF-style: chr2-8731137-A-T. GRCh37 (hg19) VCF-style: chr2-8871267-A-T.
Other names: c.4902T>A, p.Ser1634Arg (NM_001348729.2); c.4845T>A, p.Ser1615Arg (NM_001348731.2); c.4842T>A, p.Ser1614Arg (NM_001348732.2); c.4731T>A, p.Ser1577Arg (NM_001348734.2); c.4728T>A, p.Ser1576Arg (NM_001348735.2); c.4602T>A, p.Ser1534Arg (NM_001348736.2); c.3882+2307T>A (NM_001348741.2, NM_001348742.2, NM_001348743.2); c.3996+2307T>A (NM_001348738.2); and 1 more; short protein forms S1534R, S1576R, S1577R, S1614R, S1615R, S1633R, S1634R.
Identifiers: ClinVar variation 4532312 (VCV004532312.1).

ClinVar aggregate classification (germline): Uncertain significance (1 of 4 stars; one submission).

Submission:

GeneDx
Classification: Uncertain significance. Last evaluated: 2025-06-01. Review status: criteria provided, single submitter. Criteria: GeneDx Variant Classification Process June 2021. Collection method: clinical testing. Allele origin: germline. Affected: yes.
Comment: Not observed at significant frequency in large population cohorts (gnomAD); In silico analysis suggests that this missense variant does not alter protein structure/function; Has not been previously published as pathogenic or benign to our knowledge